The following is an entry in ClinVar:

NM_000553.6(WRN):c.3020del (p.Gly1007fs)

Gene: WRN (WRN RecQ like helicase; plus strand). Cytogenetic location: 8p12.
Variant type: Deletion.
Coding change: c.3020del on transcript NM_000553.6 (MANE Select); coding-DNA position 3020, one base deleted (G; older notation c.3020delG).
Protein change: p.Gly1007fs; shifts the reading frame from glycine 1007.
Molecular consequence: frameshift variant.
Genome position (GRCh38, 1-based): chr8:31,141,482, G deleted; the last of 2 consecutive G bases (chr8:31,141,481-31,141,482); deleting either gives the same sequence. VCF-style (leftmost placement, unchanged base first): chr8-31141480-TG-T. GRCh37 (hg19) VCF-style: chr8-30998996-TG-T.
Other names: short protein forms G1007fs.
Identifiers: ClinVar variation 1923954 (VCV001923954.9), dbSNP rs1248051594, ClinGen allele CA581428489.

ClinVar aggregate classification (germline): Pathogenic. Review status: criteria provided, multiple submitters, no conflicts (2 of 4 stars). 3 submissions from 3 submitters: Pathogenic (3). Last evaluated 2023-12-14.

Conditions:
Werner syndrome (WRN). Identifiers: Orphanet 902, MedGen C0043119, MONDO:0010196, OMIM 277700.

Submissions (3):

Baylor Genetics
Classification: Pathogenic for Werner syndrome. Last evaluated: 2023-12-14. Review status: criteria provided, single submitter. Criteria: ACMG Guidelines, 2015. Collection method: clinical testing. Allele origin: unknown.

Labcorp Genetics (formerly Invitae), Labcorp
Classification: Pathogenic for Werner syndrome. Last evaluated: 2023-10-22. Review status: criteria provided, single submitter. Criteria: Invitae Variant Classification Sherloc (09022015). Collection method: clinical testing. Allele origin: germline.
Comment: This sequence change creates a premature translational stop signal (p.Gly1007Alafs*16) in the WRN gene. It is expected to result in an absent or disrupted protein product. Loss-of-function variants in WRN are known to be pathogenic (PMID: 16673358). This variant is present in population databases (no rsID available, gnomAD 0.006%). This premature translational stop signal has been observed in individual(s) with Werner syndrome (PMID: 18205852). This variant is also known as 3250delG. ClinVar contains an entry for this variant (Variation ID: 1923954). For these reasons, this variant has been classified as Pathogenic.

Juno Genomics, Hangzhou Juno Genomics, Inc
Classification: Pathogenic for Werner syndrome. Review status: criteria provided, single submitter. Criteria: ACMG Guidelines, 2015. Collection method: clinical testing. Allele origin: germline.
Comment: Absent from controls (or at extremely low frequency if recessive) in Genome Aggregation Database.;Null variant in a gene where loss of function (LOF) is a known mechanism of disease.;For recessive disorders, detected in trans with a pathogenic variant.

Literature cited by the submitters: PubMed 16673358 (cited by Labcorp Genetics (formerly Invitae), Labcorp); PubMed 18205852 (cited by Labcorp Genetics (formerly Invitae), Labcorp).